The following is an entry in ClinVar:

ClinVar aggregate classification (germline): Uncertain significance (1 of 4 stars; one submission).

Conditions:
MC4R-related disorder. Also called: MC4R-related condition.

Submission:

PreventionGenetics, part of Exact Sciences
Classification: Uncertain significance for MC4R-related condition. Last evaluated: 2026-02-21. Review status: criteria provided, single submitter. Criteria: ACMG Guidelines, 2015. Collection method: clinical testing. Allele origin: germline.
Comment: The MC4R c.272T>A variant is predicted to result in the amino acid substitution p.Met91Lys. To our knowledge, this variant has not been reported in the literature or in a large population database (gnomAD), indicating this variant is rare. Of note, a different variant impacting the same amino acid (p.Met91Arg) was documented in an individual with obesity and functional analysis was supportive for disruption of signaling (Ong et al. 2024. PubMed ID: 37820740). At this time, the clinical significance of the c.272T>A (p.Met91Lys) variant is uncertain due to the absence of conclusive functional and genetic evidence.

NM_005912.3(MC4R):c.272T>A (p.Met91Lys)

Gene: MC4R (melanocortin 4 receptor; minus strand). Cytogenetic location: 18q21.32.
Variant type: single nucleotide variant.
Coding change: c.272T>A on transcript NM_005912.3 (MANE Select); coding-DNA position 272, T replaced by A.
Protein change: p.Met91Lys; replaces methionine 91 with lysine.
Molecular consequence: missense variant.
Genome position (GRCh38, 1-based): chr18:60,372,078, A>T on the plus strand (T>A on the coding strand, the complement: MC4R is on the minus strand). VCF-style: chr18-60372078-A-T. GRCh37 (hg19) VCF-style: chr18-58039311-A-T.
Other names: short protein forms M91K.
Identifiers: ClinVar variation 3350589 (VCV003350589.2).
Genomic context (GRCh38, chr18:60,372,078, plus strand): 5'-TCTGTACTGTTTAATAGGGTGATGACAATGGTTTCTGATCCATTTGAAACGCTCACCAGC[A>T]TATCAGCCACAGCCAAGCTGCAGATGAAAAAGTACATGGGTGAATGCAGATTCTTGTTCT-3'
Protein context (NP_005903.2, residues 81-101): FFICSLAVAD[Met91Lys]LVSVSNGSET